The following is an entry in ClinVar:

ClinVar aggregate classification (germline): Uncertain significance (1 of 4 stars; one submission).

Conditions:
TTN-related disorder. Also called: TTN-related condition; TTN-related disease; TTN-related disorders.

Submission:

PreventionGenetics, part of Exact Sciences
Classification: Uncertain significance for TTN-related condition. Last evaluated: 2023-09-23. Review status: criteria provided, single submitter. Criteria: ACMG Guidelines, 2015. Collection method: clinical testing. Allele origin: germline.
Comment: The TTN c.58193T>C variant is predicted to result in the amino acid substitution p.Ile19398Thr. To our knowledge, this variant has not been reported in the literature or in a large population database, indicating this variant is rare. At this time, the clinical significance of this variant is uncertain due to the absence of conclusive functional and genetic evidence.

NM_001267550.2(TTN):c.58193T>C (p.Ile19398Thr)

Genes: TTN (titin; minus strand), TTN-AS1 (TTN antisense RNA 1; plus strand). Cytogenetic location: 2q31.2.
Variant type: single nucleotide variant.
Coding change: c.58193T>C on transcript NM_001267550.2 (MANE Select); coding-DNA position 58193, T replaced by C.
Protein change: p.Ile19398Thr; replaces isoleucine 19398 with threonine.
Molecular consequence: missense variant.
Genome position (GRCh38, 1-based): chr2:178,594,200, A>G on the plus strand (T>C on the coding strand, the complement: TTN is on the minus strand). VCF-style: chr2-178594200-A-G. GRCh37 (hg19) VCF-style: chr2-179458927-A-G.
Other names: c.53270T>C, p.Ile17757Thr (NM_001256850.1); c.30998T>C, p.Ile10333Thr (NM_003319.4); c.50489T>C, p.Ile16830Thr (NM_133378.4); c.31373T>C, p.Ile10458Thr (NM_133432.3); c.31574T>C, p.Ile10525Thr (NM_133437.4); short protein forms I10333T, I10458T, I10525T, I16830T, I17757T, I19398T.
Identifiers: ClinVar variation 2630868 (VCV002630868.1), dbSNP rs2469618985, ClinGen allele CA349508457.
Genomic context (GRCh38, chr2:178,594,200, plus strand): 5'-ACCTTAGGCTTTGGTTTGCCTGAGTAACGGCCAGTGAGGGCAAAAGCTTCACCAACTCGA[A>G]TCGTGAGCTTATCTCTGAAGTCGAGGTGAAGCGTTGGGGGTGCTAAAATTTGTAATTATA-3'
Protein context (NP_001254479.2, residues 19388-19408): LHLDFRDKLT[Ile19398Thr]RVGEAFALTG